The following is an entry in ClinVar:

ClinVar aggregate classification (germline): Pathogenic. Review status: criteria provided, multiple submitters, no conflicts (2 of 4 stars). 2 submissions from 2 submitters: Pathogenic (2). Last evaluated 2025-07-29.

Conditions:
Hereditary cancer-predisposing syndrome. Also called: Neoplastic Syndromes, Hereditary; Tumor predisposition; Hereditary Cancer Syndrome; Hereditary neoplastic syndrome. Identifiers: Orphanet 140162, MedGen C0027672, MeSH D009386, MONDO:0015356.
Lynch syndrome 5 (LYNCH5). Also called: Colorectal cancer, hereditary nonpolyposis, type 5; Hereditary non-polyposis colorectal cancer, type 5. Identifiers: Orphanet 144, MedGen C1833477, MONDO:0013710, OMIM 614350. Disease mechanism: loss of function.

Submissions (2):

Myriad Genetics, Inc.
Classification: Pathogenic for Lynch syndrome 5. Last evaluated: 2025-07-29. Review status: criteria provided, single submitter. Criteria: Myriad Autosomal Dominant, Autosomal Recessive and X-Linked Classification Criteria (2023). Collection method: clinical testing. Allele origin: unknown.
Comment: This variant is considered pathogenic. This variant creates a frameshift predicted to result in premature protein truncation.

Ambry Genetics
Classification: Pathogenic for Hereditary cancer-predisposing syndrome. Last evaluated: 2022-04-12. Review status: criteria provided, single submitter. Criteria: Ambry Variant Classification Scheme 2023. Collection method: clinical testing. Allele origin: germline.
Comment: The c.3056_3057delTA pathogenic mutation, located in coding exon 4 of the MSH6 gene, results from a deletion of two nucleotides at nucleotide positions 3056 to 3057, causing a translational frameshift with a predicted alternate stop codon (p.I1019Kfs*3). This alteration is expected to result in loss of function by premature protein truncation or nonsense-mediated mRNA decay. As such, this alteration is interpreted as a disease-causing mutation.

Literature cited by the submitters: PubMed 34873480 (cited by Ambry Genetics).

NM_000179.3(MSH6):c.3056_3057del (p.Ile1019fs)

Gene: MSH6 (mutS homolog 6; plus strand). Cytogenetic location: 2p16.3.
Variant type: Deletion.
Coding change: c.3056_3057del on transcript NM_000179.3 (MANE Select); coding-DNA positions 3056 to 3057, 2 bases deleted (TA; older notation c.3056_3057delTA).
Protein change: p.Ile1019fs; shifts the reading frame from isoleucine 1019.
Molecular consequence: frameshift variant.
Genome position (GRCh38, 1-based): chr2:47,801,039-47,801,040, TA deleted; deleting any 2 consecutive bases within chr2:47,801,038-47,801,040 gives the same sequence; the c. name uses the placement nearest the transcript's 3' end. VCF-style (leftmost placement, unchanged base first): chr2-47801037-CAT-C. GRCh37 (hg19) VCF-style: chr2-48028176-CAT-C.
Other names: c.2666_2667del, p.Ile889fs (NM_001281492.2); c.2150_2151del, p.Ile717fs (NM_001281493.2, NM_001281494.2); c.3152_3153delTA, p.Ile1051Lysfs (NM_001406795.1, NM_001406802.1); c.3056_3057delTA, p.Ile1019Lysfs (NM_001406796.1, NM_001406798.1, NM_001406800.1 and 2 more transcripts); c.2759_2760delTA, p.Ile920Lysfs (NM_001406797.1, NM_001406801.1, NM_001406805.1 and 10 more transcripts); c.2531_2532delTA, p.Ile844Lysfs (NM_001406799.1, NM_001406806.1, NM_001406807.1); c.2978_2979delTA, p.Ile993Lysfs (NM_001406804.1); c.2150_2151delTA, p.Ile717Lysfs (NM_001406811.1, NM_001406812.1, NM_001406814.1 and 4 more transcripts); and 3 more; short protein forms I717fs, I1019fs, I889fs.
Identifiers: ClinVar variation 1799298 (VCV001799298.3), dbSNP rs2530710473, ClinGen allele CA2580068127.
Genomic context (GRCh38, chr2:47,801,037, plus strand): 5'-TACCAAGAAGGGCTGTAAACGATACTGGACCAAAACTATTGAAAAGAAGTTGGCTAATCT[CAT>C]AAATGCTGAAGAACGGAGGGATGTATCATTGAAGGACTGCATGCGGCGACTGTTCTATAA-3'